The following is an entry in ClinVar:

ClinVar aggregate classification (germline): Benign. Review status: criteria provided, multiple submitters, no conflicts (2 of 4 stars). 3 submissions from 3 submitters: Benign (2). 1 of the submissions does not count toward it. Last evaluated 2019-12-31.

Conditions:
ACACB-related disorder. Also called: ACACB-related condition.

Allele frequency attached by ClinVar (database versions not stated): 1000 Genomes Project 30x 0.00671; 1000 Genomes Project 0.00679; TOPMed 0.00686.
gnomAD v4.1: 2,077 of 1,537,892 alleles (0.14%); highest among the groups gnomAD compares: African/African-American, 2.2%; 17 homozygotes.

Submissions (3):

Labcorp Genetics (formerly Invitae), Labcorp
Classification: Benign. Last evaluated: 2019-12-31. Review status: criteria provided, single submitter. Criteria: Invitae Variant Classification Sherloc (09022015). Collection method: clinical testing. Allele origin: germline.

Breakthrough Genomics
Classification: Benign. Review status: criteria provided, single submitter. Criteria: ACMG Guidelines, 2015. Collection method: not provided. Allele origin: germline. Inheritance: Unknown mechanism. Affected: yes.

PreventionGenetics, part of Exact Sciences
Classification: Benign for ACACB-related condition. Last evaluated: 2024-06-16. Review status: no assertion criteria provided. Collection method: clinical testing. Allele origin: germline. Not counted in ClinVar's aggregate classification.
Comment: This variant is classified as benign based on ACMG/AMP sequence variant interpretation guidelines (Richards et al. 2015 PMID: 25741868, with internal and published modifications).

NM_001093.4(ACACB):c.2655G>T (p.Thr885=)

Gene: ACACB (acetyl-CoA carboxylase beta; plus strand). Cytogenetic location: 12q24.11.
Variant type: single nucleotide variant.
Coding change: c.2655G>T on transcript NM_001093.4 (MANE Select); coding-DNA position 2655, G replaced by T.
Protein change: p.Thr885=; no amino-acid change (threonine 885 retained).
Molecular consequence: synonymous variant.
Genome position (GRCh38, 1-based): chr12:109,199,429, G>T. VCF-style: chr12-109199429-G-T. GRCh37 (hg19) VCF-style: chr12-109637234-G-T.
Identifiers: ClinVar variation 770608 (VCV000770608.7), dbSNP rs73398054, ClinGen allele CA6773730.